The following is an entry in ClinVar:

ClinVar aggregate classification (germline): Conflicting classifications of pathogenicity. Review status: criteria provided, conflicting classifications (1 of 4 stars). 2 submissions from 2 submitters: Uncertain significance (1); Likely benign (1). Last evaluated 2026-07-01.

Allele frequency attached by ClinVar (database versions not stated): gnomAD 0.00001; gnomAD exomes 0.00001.
gnomAD v4.1: 14 of 1,606,432 alleles (0.00087%); highest among the groups gnomAD compares: Middle Eastern, 0.017%; no homozygotes.

Submissions (2):

CeGaT Center for Human Genetics Tuebingen
Classification: Likely benign. Last evaluated: 2026-07-01. Review status: criteria provided, single submitter. Criteria: CeGaT Center For Human Genetics Tuebingen Variant Classification Criteria Version 2. Collection method: clinical testing. Allele origin: germline. Affected: yes. Observed: 2 variant alleles.
Comment: CACNA1B: BP4, BP7

Labcorp Genetics (formerly Invitae), Labcorp
Classification: Uncertain significance. Last evaluated: 2022-05-10. Review status: criteria provided, single submitter. Criteria: Invitae Variant Classification Sherloc (09022015). Collection method: clinical testing. Allele origin: germline.
Comment: This sequence change affects codon 1181 of the CACNA1B mRNA. It is a 'silent' change, meaning that it does not change the encoded amino acid sequence of the CACNA1B protein. It affects a nucleotide within the consensus splice site. This variant is present in population databases (no rsID available, gnomAD 0.0009%). This variant has not been reported in the literature in individuals affected with CACNA1B-related conditions. Algorithms developed to predict the effect of sequence changes on RNA splicing suggest that this variant is not likely to affect RNA splicing. In summary, the available evidence is currently insufficient to determine the role of this variant in disease. Therefore, it has been classified as a Variant of Uncertain Significance.

NM_000718.4(CACNA1B):c.3543C>T (p.Asn1181=)

Gene: CACNA1B (calcium voltage-gated channel subunit alpha1 B; plus strand). Cytogenetic location: 9q34.3.
Variant type: single nucleotide variant.
Coding change: c.3543C>T on transcript NM_000718.4 (MANE Select); coding-DNA position 3543, C replaced by T.
Protein change: p.Asn1181=; no amino-acid change (asparagine 1181 retained).
Molecular consequence: synonymous variant.
Genome position (GRCh38, 1-based): chr9:138,047,033, C>T. VCF-style: chr9-138047033-C-T. GRCh37 (hg19) VCF-style: chr9-140941485-C-T.
Other names: c.3543C>T, p.Asn1181= (NM_001243812.2).
Identifiers: ClinVar variation 1956390 (VCV001956390.6), dbSNP rs1358025316, ClinGen allele CA467888866.